The following is an entry in ClinVar:

NM_001458.5(FLNC):c.4229T>C (p.Ile1410Thr)

Gene: FLNC (filamin C; plus strand). Cytogenetic location: 7q32.1.
Variant type: single nucleotide variant.
Coding change: c.4229T>C on transcript NM_001458.5 (MANE Select); coding-DNA position 4229, T replaced by C.
Protein change: p.Ile1410Thr; replaces isoleucine 1410 with threonine.
Molecular consequence: missense variant.
Genome position (GRCh38, 1-based): chr7:128,846,846, T>C. VCF-style: chr7-128846846-T-C. GRCh37 (hg19) VCF-style: chr7-128486900-T-C.
Other names: c.4229T>C, p.Ile1410Thr (NM_001127487.2); short protein forms I1410T.
Identifiers: ClinVar variation 3221728 (VCV003221728.1), dbSNP rs778951900, ClinGen allele CA4475273.

ClinVar aggregate classification (germline): Uncertain significance (1 of 4 stars; one submission).

Conditions:
Cardiovascular phenotype. Identifiers: MedGen CN230736.

gnomAD v4.1: 2 of 1,614,044 alleles (0.00012%); highest among the groups gnomAD compares: Non-Finnish European, 0.00017%; no homozygotes.

Submission:

Ambry Genetics
Classification: Uncertain significance for Cardiovascular phenotype. Last evaluated: 2023-09-28. Review status: criteria provided, single submitter. Criteria: Ambry Variant Classification Scheme 2023. Collection method: clinical testing. Allele origin: germline.
Comment: The p.I1410T variant (also known as c.4229T>C), located in coding exon 24 of the FLNC gene, results from a T to C substitution at nucleotide position 4229. The isoleucine at codon 1410 is replaced by threonine, an amino acid with similar properties. This amino acid position is conserved. In addition, the in silico prediction for this alteration is inconclusive. Since supporting evidence is limited at this time, the clinical significance of this alteration remains unclear.